The following is an entry in ClinVar:

ClinVar aggregate classification (germline): Uncertain significance. Review status: criteria provided, multiple submitters, no conflicts (2 of 4 stars). 4 submissions from 4 submitters: Uncertain significance (4). Last evaluated 2025-10-23.

Conditions:
TTN-related disorder. Also called: TTN-related condition; TTN-related disease; TTN-related disorders.
Cardiovascular phenotype. Identifiers: MedGen CN230736.

Allele frequency attached by ClinVar (database versions not stated): TOPMed 0.00003; gnomAD exomes below 0.00001 and 0.00001; gnomAD 0.00002.
gnomAD v4.1: 12 of 1,613,488 alleles (0.00074%); highest among the groups gnomAD compares: Admixed American, 0.0083%; no homozygotes.

Submissions (4):

PreventionGenetics, part of Exact Sciences
Classification: Uncertain significance for TTN-related condition. Last evaluated: 2025-10-23. Review status: criteria provided, single submitter. Criteria: ACMG Guidelines, 2015. Collection method: clinical testing. Allele origin: germline.
Comment: The TTN c.85309G>A variant is predicted to result in the amino acid substitution p.Gly28437Ser. To our knowledge, this variant has not been reported in the literature. This variant is reported in 0.0029% of alleles in individuals of Latino descent in gnomAD. At this time, the clinical significance of this variant is uncertain due to the absence of conclusive functional and genetic evidence.

Revvity Omics, Revvity
Classification: Uncertain significance. Last evaluated: 2019-07-12. Review status: criteria provided, single submitter. Criteria: ACMG Guidelines, 2015. Collection method: clinical testing. Allele origin: germline.

Ambry Genetics
Classification: Uncertain significance for Cardiovascular phenotype. Last evaluated: 2019-06-26. Review status: criteria provided, single submitter. Criteria: Ambry Variant Classification Scheme 2023. Collection method: clinical testing. Allele origin: germline.
Comment: The p.G19372S variant (also known as c.58114G>A), located in coding exon 153 of the TTN gene, results from a G to A substitution at nucleotide position 58114. The glycine at codon 19372 is replaced by serine, an amino acid with similar properties. This amino acid position is highly conserved in available vertebrate species. In addition, the in silico prediction for this alteration is inconclusive. Since supporting evidence is limited at this time, the clinical significance of this alteration remains unclear.

Eurofins Ntd Llc (ga)
Classification: Uncertain significance. Last evaluated: 2015-09-24. Review status: criteria provided, single submitter. Criteria: EGL Classification Definitions 2015. Collection method: clinical testing. Allele origin: germline. Observed: 1 variant allele, 1 heterozygote.

NM_001267550.2(TTN):c.85309G>A (p.Gly28437Ser)

Genes: TTN (titin; minus strand), TTN-AS1 (TTN antisense RNA 1; plus strand). Cytogenetic location: 2q31.2.
Variant type: single nucleotide variant.
Coding change: c.85309G>A on transcript NM_001267550.2 (MANE Select); coding-DNA position 85309, G replaced by A.
Protein change: p.Gly28437Ser; replaces glycine 28437 with serine.
Molecular consequence: missense variant.
Genome position (GRCh38, 1-based): chr2:178,560,823, C>T on the plus strand (G>A on the coding strand, the complement: TTN is on the minus strand). VCF-style: chr2-178560823-C-T. GRCh37 (hg19) VCF-style: chr2-179425550-C-T.
Other names: c.80386G>A, p.Gly26796Ser (NM_001256850.1); c.58114G>A, p.Gly19372Ser (NM_003319.4); c.77605G>A, p.Gly25869Ser (NM_133378.4); c.58489G>A, p.Gly19497Ser (NM_133432.3); c.58690G>A, p.Gly19564Ser (NM_133437.4); short protein forms G28437S, G25869S, G26796S, G19372S, G19497S, G19564S.
Identifiers: ClinVar variation 283472 (VCV000283472.11), dbSNP rs757770952, ClinGen allele CA10604505.